The following is an entry in ClinVar:

ClinVar aggregate classification (germline): Uncertain significance (1 of 4 stars; one submission).

Conditions:
Episodic ataxia type 1 (EA1). Also called: Episodic ataxia/myokymia syndrome; ATAXIA, EPISODIC, WITH MYOKYMIA; MYOKYMIA WITH PERIODIC ATAXIA; PAROXYSMAL ATAXIA WITH NEUROMYOTONIA, HEREDITARY. Identifiers: Orphanet 37612, Orphanet 972, MedGen C1719788, MONDO:0008047, OMIM 160120.

Submission:

Labcorp Genetics (formerly Invitae), Labcorp
Classification: Uncertain significance for Episodic ataxia type 1. Last evaluated: 2025-07-08. Review status: criteria provided, single submitter. Criteria: Invitae Variant Classification Sherloc (09022015). Collection method: clinical testing. Allele origin: germline.
Comment: This sequence change replaces alanine, which is neutral and non-polar, with threonine, which is neutral and polar, at codon 425 of the KCNA1 protein (p.Ala425Thr). This variant is not present in population databases (gnomAD no frequency). This variant has not been reported in the literature in individuals affected with KCNA1-related conditions. Invitae Evidence Modeling of protein sequence and biophysical properties (such as structural, functional, and spatial information, amino acid conservation, physicochemical variation, residue mobility, and thermodynamic stability) indicates that this missense variant is not expected to disrupt KCNA1 protein function with a negative predictive value of 80%. In summary, the available evidence is currently insufficient to determine the role of this variant in disease. Therefore, it has been classified as a Variant of Uncertain Significance.

NM_000217.3(KCNA1):c.1273G>A (p.Ala425Thr)

Gene: KCNA1 (potassium voltage-gated channel subfamily A member 1; plus strand). Cytogenetic location: 12p13.32.
Variant type: single nucleotide variant.
Coding change: c.1273G>A on transcript NM_000217.3 (MANE Select); coding-DNA position 1273, G replaced by A.
Protein change: p.Ala425Thr; replaces alanine 425 with threonine.
Molecular consequence: missense variant.
Genome position (GRCh38, 1-based): chr12:4,912,651, G>A. VCF-style: chr12-4912651-G-A. GRCh37 (hg19) VCF-style: chr12-5021817-G-A.
Other names: short protein forms A425T.
Identifiers: ClinVar variation 4774189 (VCV004774189.1).